The following is an entry in ClinVar:

NM_000487.6(ARSA):c.926A>T (p.Glu309Val)

Gene: ARSA (arylsulfatase A; minus strand). Cytogenetic location: 22q13.33.
Variant type: single nucleotide variant.
Coding change: c.926A>T on transcript NM_000487.6 (MANE Select); coding-DNA position 926, A replaced by T.
Protein change: p.Glu309Val; replaces glutamic acid 309 with valine.
Molecular consequence: missense variant.
Genome position (GRCh38, 1-based): chr22:50,626,207, T>A on the plus strand (A>T on the coding strand, the complement: ARSA is on the minus strand). VCF-style: chr22-50626207-T-A. GRCh37 (hg19) VCF-style: chr22-51064635-T-A.
Other names: c.926A>T, p.Glu309Val (NM_001085425.3, NM_001085426.3, NM_001085427.3); c.668A>T, p.Glu223Val (NM_001085428.3, NM_001362782.2); short protein forms E309V, E223V.
Identifiers: ClinVar variation 427192 (VCV000427192.7), dbSNP rs1085308016, ClinGen allele CA412174579.
Genomic context (GRCh38, chr22:50,626,207, plus strand): 5'-GACTGACCGGGAGCGATATGACCTGGCCAGAAGGCCAAGGCAGGCTCTCGGACACCGCCC[T>A]CGTAGGTCGTTCCCTTTCCACACCGCAAGAGACCGGAGCAGCCGCCTCGGGACATACGCA-3'
Protein context (NP_000478.3, residues 299-319): LLRCGKGTTY[Glu309Val]GGVREPALAF

ClinVar aggregate classification (germline): Likely pathogenic. Review status: criteria provided, multiple submitters, no conflicts (2 of 4 stars). 3 submissions from 3 submitters: Likely pathogenic (3). Last evaluated 2024-03-01.

Conditions:
Metachromatic leukodystrophy (MLD). Also called: METACHROMATIC LEUKOENCEPHALOPATHY; SULFATIDE LIPIDOSIS; ARSA DEFICIENCY; CEREBROSIDE SULFATASE DEFICIENCY; Arylsulfatase A Deficiency; Cerebral sclerosis diffuse metachromatic form. Identifiers: Orphanet 512, MedGen C0023522, MONDO:0018868, OMIM 250100.

Submissions (3):

Fulgent Genetics
Classification: Likely pathogenic for Metachromatic leukodystrophy. Last evaluated: 2024-03-01. Review status: criteria provided, single submitter. Criteria: ACMG Guidelines, 2015. Collection method: clinical testing. Allele origin: germline.

Labcorp Genetics (formerly Invitae), Labcorp
Classification: Likely pathogenic for Metachromatic leukodystrophy. Last evaluated: 2022-07-06. Review status: criteria provided, single submitter. Criteria: Invitae Variant Classification Sherloc (09022015). Collection method: clinical testing. Allele origin: germline.
Comment: In summary, the currently available evidence indicates that the variant is pathogenic, but additional data are needed to prove that conclusively. Therefore, this variant has been classified as Likely Pathogenic. This variant disrupts the p.Glu309 amino acid residue in ARSA. Other variant(s) that disrupt this residue have been determined to be pathogenic (PMID: 18768108, 19606494, 26462614, 30057904). This suggests that this residue is clinically significant, and that variants that disrupt this residue are likely to be disease-causing. Advanced modeling of protein sequence and biophysical properties (such as structural, functional, and spatial information, amino acid conservation, physicochemical variation, residue mobility, and thermodynamic stability) performed at Invitae indicates that this missense variant is expected to disrupt ARSA protein function. ClinVar contains an entry for this variant (Variation ID: 427192). This variant has not been reported in the literature in individuals affected with ARSA-related conditions. This variant is not present in population databases (gnomAD no frequency). This sequence change replaces glutamic acid, which is acidic and polar, with valine, which is neutral and non-polar, at codon 309 of the ARSA protein (p.Glu309Val).

GeneDx
Classification: Likely pathogenic. Last evaluated: 2015-04-14. Review status: criteria provided, single submitter. Criteria: GeneDx Variant Classification (06012015). Collection method: clinical testing. Allele origin: germline. Affected: yes.
Comment: The E309V variant has not been published as a pathogenic variant, nor has it been reported as a benign polymorphism to our knowledge. The E309V variant is a non-conservative amino acid substitution, which is likely to impact secondary protein structure as these residues differ in polarity, charge, size and/or other properties. This substitution occurs at a position that is conserved across species. In silico analysis predicts this variant is probably damaging to the protein structure/function. A missense variant in the same residue (E309K) and in nearby residues (Y308H, G310V, G310D) have been reported in the Human Gene Mutation Database in association with metachromatic leukodystrophy (Stenson et al., 2014), supporting the functional importance of this region of the protein. Therefore, this variant is a strong candidate for a pathogenic variant, however the possibility that it is a benign variant cannot be excluded.

Literature cited by the submitters: PubMed 18768108 (cited by Labcorp Genetics (formerly Invitae), Labcorp); PubMed 19606494 (cited by Labcorp Genetics (formerly Invitae), Labcorp); PubMed 26462614 (cited by Labcorp Genetics (formerly Invitae), Labcorp); PubMed 30057904 (cited by Labcorp Genetics (formerly Invitae), Labcorp).